The following is an entry in ClinVar:

NM_004738.5(VAPB):c.335A>C (p.Glu112Ala)

Gene: VAPB (VAMP associated protein B and C; plus strand). Cytogenetic location: 20q13.32.
Variant type: single nucleotide variant.
Coding change: c.335A>C on transcript NM_004738.5 (MANE Select); coding-DNA position 335, A replaced by C.
Protein change: p.Glu112Ala; replaces glutamic acid 112 with alanine.
Molecular consequence: missense variant. On other transcripts: intron variant (1).
Genome position (GRCh38, 1-based): chr20:58,438,964, A>C. VCF-style: chr20-58438964-A-C. GRCh37 (hg19) VCF-style: chr20-57014020-A-C.
Other names: c.212-5113A>C (NM_001195677.2); short protein forms E112A.
Identifiers: ClinVar variation 3757459 (VCV003757459.2).

ClinVar aggregate classification (germline): Uncertain significance (1 of 4 stars; one submission).

Conditions:
Adult-onset proximal spinal muscular atrophy, autosomal dominant. Also called: FINKEL LATE-ADULT TYPE SMA; Spinal muscular atrophy, late-onset, finkel type. Identifiers: Orphanet 209335, MedGen C1854058, MONDO:0008453, OMIM 182980.
Amyotrophic lateral sclerosis type 8 (ALS8). Identifiers: Orphanet 803, MedGen C1837728, MONDO:0012077, OMIM 608627.

gnomAD v4.1: 1 of 1,613,924 alleles (0.000062%); highest among the groups gnomAD compares: South Asian, 0.0011%; no homozygotes.

Submission:

Labcorp Genetics (formerly Invitae), Labcorp
Classification: Uncertain significance for Adult-onset proximal spinal muscular atrophy, autosomal dominant; Amyotrophic lateral sclerosis type 8. Last evaluated: 2024-07-30. Review status: criteria provided, single submitter. Criteria: Invitae Variant Classification Sherloc (09022015). Collection method: clinical testing. Allele origin: germline.
Comment: This sequence change replaces glutamic acid, which is acidic and polar, with alanine, which is neutral and non-polar, at codon 112 of the VAPB protein (p.Glu112Ala). This variant is present in population databases (rs562837579, gnomAD 0.003%). This variant has not been reported in the literature in individuals affected with VAPB-related conditions. Advanced modeling of protein sequence and biophysical properties (such as structural, functional, and spatial information, amino acid conservation, physicochemical variation, residue mobility, and thermodynamic stability) performed at Invitae indicates that this missense variant is not expected to disrupt VAPB protein function with a negative predictive value of 80%. In summary, the available evidence is currently insufficient to determine the role of this variant in disease. Therefore, it has been classified as a Variant of Uncertain Significance.